The following is an entry in ClinVar:

ClinVar aggregate classification (germline): Pathogenic. Review status: criteria provided, multiple submitters, no conflicts (2 of 4 stars). 2 submissions from 2 submitters: Pathogenic (2). Last evaluated 2024-08-19.

Conditions:
Familial cancer of breast. Also called: hereditary breast carcinoma; BREAST CANCER, FAMILIAL; Hereditary breast cancer. Identifiers: Orphanet 227535, MedGen C0346153, MONDO:0016419, OMIM 114480. Disease mechanism: loss of function.

Submissions (2):

Labcorp Genetics (formerly Invitae), Labcorp
Classification: Pathogenic for Familial cancer of breast. Last evaluated: 2024-08-19. Review status: criteria provided, single submitter. Criteria: Invitae Variant Classification Sherloc (09022015). Collection method: clinical testing. Allele origin: germline.
Comment: This sequence change creates a premature translational stop signal (p.Trp575Glyfs*24) in the PALB2 gene. It is expected to result in an absent or disrupted protein product. Loss-of-function variants in PALB2 are known to be pathogenic (PMID: 17200668, 17200671, 17200672, 24136930, 25099575). This variant is not present in population databases (gnomAD no frequency). This variant has not been reported in the literature in individuals affected with PALB2-related conditions. ClinVar contains an entry for this variant (Variation ID: 2048715). For these reasons, this variant has been classified as Pathogenic.

Myriad Genetics, Inc.
Classification: Pathogenic for Familial cancer of breast. Last evaluated: 2023-09-11. Review status: criteria provided, single submitter. Criteria: Myriad Autosomal Dominant, Autosomal Recessive and X-Linked Classification Criteria (2023). Collection method: clinical testing. Allele origin: unknown.
Comment: This variant is considered pathogenic. This variant creates a frameshift predicted to result in premature protein truncation.

Literature cited by the submitters: PubMed 17200668 (cited by Labcorp Genetics (formerly Invitae), Labcorp); PubMed 17200671 (cited by Labcorp Genetics (formerly Invitae), Labcorp); PubMed 17200672 (cited by Labcorp Genetics (formerly Invitae), Labcorp); PubMed 24136930 (cited by Labcorp Genetics (formerly Invitae), Labcorp); PubMed 25099575 (cited by Labcorp Genetics (formerly Invitae), Labcorp).

NM_024675.4(PALB2):c.1723del (p.Trp575fs)

Gene: PALB2 (partner and localizer of BRCA2; minus strand). Cytogenetic location: 16p12.2.
Variant type: Deletion.
Coding change: c.1723del on transcript NM_024675.4 (MANE Select); coding-DNA position 1723, one base deleted (T; older notation c.1723delT).
Protein change: p.Trp575fs; shifts the reading frame from tryptophan 575.
Molecular consequence: frameshift variant.
Genome position (GRCh38, 1-based): chr16:23,630,431, A deleted on the plus strand (T on the coding strand, the reverse complement: PALB2 is on the minus strand); the first of 2 consecutive A bases (chr16:23,630,431-23,630,432); deleting either gives the same sequence. VCF-style (leftmost placement, unchanged base first): chr16-23630430-CA-C. GRCh37 (hg19) VCF-style: chr16-23641751-CA-C.
Other names: c.1662delT, p.Trp555Glyfs (NM_001407296.1); c.1722delT, p.Trp575Glyfs (NM_001407297.1, NM_001407298.1, NM_001407299.1 and 3 more transcripts); c.837delT, p.Trp280Glyfs (NM_001407304.1, NM_001407305.1, NM_001407306.1 and 5 more transcripts); c.-67delT (NM_001407312.1, NM_001407313.1); short protein forms W575fs.
Identifiers: ClinVar variation 2048715 (VCV002048715.5), dbSNP rs2506438793, ClinGen allele CA2580091405.